The following is an entry in ClinVar:

ClinVar aggregate classification (germline): Uncertain significance. Review status: criteria provided, multiple submitters, no conflicts (2 of 4 stars). 4 submissions from 4 submitters: Uncertain significance (4). Last evaluated 2026-01-16.

Conditions:
Fanconi anemia (FA). Also called: Fanconi's anemia. Identifiers: Orphanet 84, MedGen C0015625, MeSH D005199, MONDO:0019391.
Spermatogenic failure 28. Identifiers: MedGen C4748117, MONDO:0054732, OMIM 618086.
Premature ovarian failure 15. Identifiers: MedGen C4748170, MONDO:0054862, OMIM 618096.
Inborn genetic diseases. Identifiers: MedGen C0950123, MeSH D030342.

Allele frequency attached by ClinVar (database versions not stated): gnomAD 0.00001; ExAC 0.00002; gnomAD exomes 0.00002; TOPMed 0.00002.
gnomAD v4.1: 6 of 1,613,140 alleles (0.00037%); highest among the groups gnomAD compares: East Asian, 0.013%; no homozygotes.

Submissions (4):

Labcorp Genetics (formerly Invitae), Labcorp
Classification: Uncertain significance for Fanconi anemia. Last evaluated: 2026-01-16. Review status: criteria provided, single submitter. Criteria: Invitae Variant Classification Sherloc (09022015). Collection method: clinical testing. Allele origin: germline.
Comment: This sequence change replaces leucine, which is neutral and non-polar, with phenylalanine, which is neutral and non-polar, at codon 321 of the FANCM protein (p.Leu321Phe). This variant is present in population databases (rs761891998, gnomAD 0.03%). This variant has not been reported in the literature in individuals affected with FANCM-related conditions. ClinVar contains an entry for this variant (Variation ID: 1057991). An algorithm developed to predict the effect of missense changes on protein structure and function (PolyPhen-2) suggests that this variant is likely to be tolerated. In summary, the available evidence is currently insufficient to determine the role of this variant in disease. Therefore, it has been classified as a Variant of Uncertain Significance.

Ambry Genetics
Classification: Uncertain significance for Inborn genetic diseases. Last evaluated: 2025-02-09. Review status: criteria provided, single submitter. Criteria: Ambry Variant Classification Scheme 2023. Collection method: clinical testing. Allele origin: germline.
Comment: The p.L321F variant (also known as c.963G>C), located in coding exon 5 of the FANCM gene, results from a G to C substitution at nucleotide position 963. The leucine at codon 321 is replaced by phenylalanine, an amino acid with highly similar properties. This amino acid position is conserved. In addition, this alteration is predicted to be tolerated by in silico analysis. Based on the available evidence, the clinical significance of this variant remains unclear.

Fulgent Genetics
Classification: Uncertain significance for Spermatogenic failure 28; Premature ovarian failure 15. Last evaluated: 2024-05-02. Review status: criteria provided, single submitter. Criteria: ACMG Guidelines, 2015. Collection method: clinical testing. Allele origin: germline.

Quest Diagnostics Nichols Institute San Juan Capistrano
Classification: Uncertain significance. Last evaluated: 2023-08-24. Review status: criteria provided, single submitter. Criteria: Quest Diagnostics criteria. Collection method: clinical testing. Allele origin: unknown.
Comment: To the best of our knowledge, this variant has not been reported in the published literature. The frequency of this variant in the general population, 0.00025 (5/19948 chromosomes (Genome Aggregation Database)), is uninformative in the assessment of its pathogenicity. Analysis of this variant using bioinformatics tools for the prediction of the effect of amino acid changes on protein structure and function yielded predictions that this variant is benign. Based on the available information, we are unable to determine the clinical significance of this variant.

NM_020937.4(FANCM):c.963G>C (p.Leu321Phe)

Gene: FANCM (FA complementation group M; plus strand). Cytogenetic location: 14q21.2.
Variant type: single nucleotide variant.
Coding change: c.963G>C on transcript NM_020937.4 (MANE Select); coding-DNA position 963, G replaced by C.
Protein change: p.Leu321Phe; replaces leucine 321 with phenylalanine.
Molecular consequence: missense variant.
Genome position (GRCh38, 1-based): chr14:45,151,441, G>C. VCF-style: chr14-45151441-G-C. GRCh37 (hg19) VCF-style: chr14-45620644-G-C.
Other names: c.885G>C, p.Leu295Phe (NM_001308133.2); c.963G>C, p.Leu321Phe (NM_001308134.2); c.963G>C (NM_020937.3, NM_020937.2); short protein forms L295F, L321F.
Identifiers: ClinVar variation 1057991 (VCV001057991.12), dbSNP rs761891998, ClinGen allele CA7168899.